The following is an entry in ClinVar:

ClinVar aggregate classification (germline): Uncertain significance (1 of 4 stars; one submission).

Conditions:
Ataxia-telangiectasia syndrome (AT). Also called: ATAXIA-TELANGIECTASIA, COMPLEMENTATION GROUP A; ATAXIA-TELANGIECTASIA, FRESNO VARIANT; LOUIS-BAR SYNDROME; Cerebello-oculocutaneous telangiectasia; Immunodeficiency with ataxia telangiectasia; Ataxia-telangiectasia, complementation group E. Identifiers: Orphanet 100, MedGen C0004135, MONDO:0008840, OMIM 208900.

Submission:

Labcorp Genetics (formerly Invitae), Labcorp
Classification: Uncertain significance for Ataxia-telangiectasia syndrome. Last evaluated: 2025-10-01. Review status: criteria provided, single submitter. Criteria: Invitae Variant Classification Sherloc (09022015). Collection method: clinical testing. Allele origin: germline.
Comment: This sequence change replaces isoleucine, which is neutral and non-polar, with valine, which is neutral and non-polar, at codon 105 of the ATM protein (p.Ile105Val). This variant is not present in population databases (gnomAD no frequency). This variant has not been reported in the literature in individuals affected with ATM-related conditions. ClinVar contains an entry for this variant (Variation ID: 3634291). Invitae Evidence Modeling of protein sequence and biophysical properties (such as structural, functional, and spatial information, amino acid conservation, physicochemical variation, residue mobility, and thermodynamic stability) indicates that this missense variant is not expected to disrupt ATM protein function with a negative predictive value of 95%. In summary, the available evidence is currently insufficient to determine the role of this variant in disease. Therefore, it has been classified as a Variant of Uncertain Significance.

NM_000051.4(ATM):c.313A>G (p.Ile105Val)

Gene: ATM (ATM serine/threonine kinase; plus strand). Cytogenetic location: 11q22.3.
Variant type: single nucleotide variant.
Coding change: c.313A>G on transcript NM_000051.4 (MANE Select); coding-DNA position 313, A replaced by G.
Protein change: p.Ile105Val; replaces isoleucine 105 with valine.
Molecular consequence: missense variant.
Genome position (GRCh38, 1-based): chr11:108,229,305, A>G. VCF-style: chr11-108229305-A-G. GRCh37 (hg19) VCF-style: chr11-108100032-A-G.
Other names: c.313A>G, p.Ile105Val (NM_001351834.2, NM_001351835.2, NM_001351836.2); short protein forms I105V.
Identifiers: ClinVar variation 3634291 (VCV003634291.2).
Genomic context (GRCh38, chr11:108,229,305, plus strand): 5'-TCAACACAAGCCTCCAGGCAGAAAAAGATGCAGGAAATCAGTAGTTTGGTCAAATACTTC[A>G]TCAAATGTGCAAACAGAAGTAAGTGATGTTATAAATTATAAATAAATGGCTTAACAGATT-3'
Protein context (NP_000042.3, residues 95-115): QEISSLVKYF[Ile105Val]KCANRRAPRL